The following is an entry in ClinVar:

ClinVar aggregate classification (germline): Uncertain significance. Review status: criteria provided, multiple submitters, no conflicts (2 of 4 stars). 2 submissions from 2 submitters: Uncertain significance (2). Last evaluated 2025-11-29.

Submissions (2):

Ambry Genetics
Classification: Uncertain significance. Last evaluated: 2025-11-29. Review status: criteria provided, single submitter. Criteria: Ambry Variant Classification Scheme 2023. Collection method: clinical testing. Allele origin: germline.
Comment: The p.N507K variant (also known as c.1521T>A), located in coding exon 12 of the RECQL gene, results from a T to A substitution at nucleotide position 1521. The asparagine at codon 507 is replaced by lysine, an amino acid with similar properties. This amino acid position is conserved. In addition, this alteration is predicted to be tolerated by in silico analysis. Since supporting evidence is limited at this time, the clinical significance of this alteration remains unclear.

Labcorp Genetics (formerly Invitae), Labcorp
Classification: Uncertain significance. Last evaluated: 2024-04-16. Review status: criteria provided, single submitter. Criteria: Invitae Variant Classification Sherloc (09022015). Collection method: clinical testing. Allele origin: germline.
Comment: This sequence change replaces asparagine, which is neutral and polar, with lysine, which is basic and polar, at codon 507 of the RECQL protein (p.Asn507Lys). This variant is not present in population databases (gnomAD no frequency). This variant has not been reported in the literature in individuals affected with RECQL-related conditions. ClinVar contains an entry for this variant (Variation ID: 1450737). Advanced modeling of protein sequence and biophysical properties (such as structural, functional, and spatial information, amino acid conservation, physicochemical variation, residue mobility, and thermodynamic stability) performed at Invitae indicates that this missense variant is not expected to disrupt RECQL protein function with a negative predictive value of 80%. In summary, the available evidence is currently insufficient to determine the role of this variant in disease. Therefore, it has been classified as a Variant of Uncertain Significance.

NM_002907.4(RECQL):c.1521T>A (p.Asn507Lys)

Gene: RECQL (RecQ like helicase; minus strand). Cytogenetic location: 12p12.1.
Variant type: single nucleotide variant.
Coding change: c.1521T>A on transcript NM_002907.4 (MANE Select); coding-DNA position 1521, T replaced by A.
Protein change: p.Asn507Lys; replaces asparagine 507 with lysine.
Molecular consequence: missense variant.
Genome position (GRCh38, 1-based): chr12:21,471,574, A>T on the plus strand (T>A on the coding strand, the complement: RECQL is on the minus strand). VCF-style: chr12-21471574-A-T. GRCh37 (hg19) VCF-style: chr12-21624508-A-T.
Other names: c.1521T>A, p.Asn507Lys (NM_032941.3); c.1521T>A (NM_002907.3); short protein forms N507K.
Identifiers: ClinVar variation 1450737 (VCV001450737.11), dbSNP rs2137316954, ClinGen allele CA384116235.